The following is an entry in ClinVar:

ClinVar aggregate classification (germline): Uncertain significance (1 of 4 stars; one submission).

Conditions:
Kabuki syndrome. Also called: NIIKAWA-KUROKI SYNDROME; Kabuki make-up syndrome. Identifiers: Orphanet 2322, MedGen C0796004, MONDO:0016512.

Submission:

Labcorp Genetics (formerly Invitae), Labcorp
Classification: Uncertain significance for Kabuki syndrome. Last evaluated: 2025-05-19. Review status: criteria provided, single submitter. Criteria: Invitae Variant Classification Sherloc (09022015). Collection method: clinical testing. Allele origin: germline.
Comment: This sequence change replaces lysine, which is basic and polar, with arginine, which is basic and polar, at codon 1760 of the KMT2D protein (p.Lys1760Arg). This variant is not present in population databases (gnomAD no frequency). This variant has not been reported in the literature in individuals affected with KMT2D-related conditions. Invitae Evidence Modeling of protein sequence and biophysical properties (such as structural, functional, and spatial information, amino acid conservation, physicochemical variation, residue mobility, and thermodynamic stability) has been performed for this missense variant. However, the output from this modeling did not meet the statistical confidence thresholds required to predict the impact of this variant on KMT2D protein function. In summary, the available evidence is currently insufficient to determine the role of this variant in disease. Therefore, it has been classified as a Variant of Uncertain Significance.

NM_003482.4(KMT2D):c.5279A>G (p.Lys1760Arg)

Gene: KMT2D (lysine methyltransferase 2D; minus strand). Cytogenetic location: 12q13.12.
Variant type: single nucleotide variant.
Coding change: c.5279A>G on transcript NM_003482.4 (MANE Select); coding-DNA position 5279, A replaced by G.
Protein change: p.Lys1760Arg; replaces lysine 1760 with arginine.
Molecular consequence: missense variant.
Genome position (GRCh38, 1-based): chr12:49,043,908, T>C on the plus strand (A>G on the coding strand, the complement: KMT2D is on the minus strand). VCF-style: chr12-49043908-T-C. GRCh37 (hg19) VCF-style: chr12-49437691-T-C.
Other names: short protein forms K1760R.
Identifiers: ClinVar variation 4801242 (VCV004801242.1).